The following is an entry in ClinVar:

NM_020754.4(ARHGAP31):c.1593G>T (p.Glu531Asp)

Gene: ARHGAP31 (Rho GTPase activating protein 31; plus strand). Cytogenetic location: 3q13.33.
Variant type: single nucleotide variant.
Coding change: c.1593G>T on transcript NM_020754.4 (MANE Select); coding-DNA position 1593, G replaced by T.
Protein change: p.Glu531Asp; replaces glutamic acid 531 with aspartic acid.
Molecular consequence: missense variant.
Genome position (GRCh38, 1-based): chr3:119,402,345, G>T. VCF-style: chr3-119402345-G-T. GRCh37 (hg19) VCF-style: chr3-119121192-G-T.
Other names: short protein forms E531D.
Identifiers: ClinVar variation 4529560 (VCV004529560.1).

ClinVar aggregate classification (germline): Uncertain significance (1 of 4 stars; one submission).

Submission:

GeneDx
Classification: Uncertain significance. Last evaluated: 2025-05-15. Review status: criteria provided, single submitter. Criteria: GeneDx Variant Classification Process June 2021. Collection method: clinical testing. Allele origin: germline. Affected: yes.
Comment: Not observed at significant frequency in large population cohorts (gnomAD); In silico analysis suggests that this missense variant does not alter protein structure/function; Has not been previously published as pathogenic or benign to our knowledge